The following is an entry in ClinVar:

NM_007294.4(BRCA1):c.135-5T>G

Gene: BRCA1 (BRCA1 DNA repair associated; minus strand). Cytogenetic location: 17q21.31.
Variant type: single nucleotide variant.
Coding change: c.135-5T>G on transcript NM_007294.4 (MANE Select); 5 bases into the intron before coding-DNA position 135, T replaced by G.
Molecular consequence: intron variant.
Genome position (GRCh38, 1-based): chr17:43,106,538, A>C on the plus strand (T>G on the coding strand, the complement: BRCA1 is on the minus strand). VCF-style: chr17-43106538-A-C. GRCh37 (hg19) VCF-style: chr17-41258555-A-C.
Other names: c.-7-5T>G (NM_001408458.1, NM_001407931.1, NM_001407747.1 and 99 more transcripts); c.-218-11678T>G (NM_001407967.1, NM_001407966.1); c.-169-1582T>G (NM_001407959.1, NM_001407962.1, NM_001408512.1 and 4 more transcripts); c.-54-5T>G (NM_001407885.1, NM_001407886.1, NM_001407898.1 and 58 more transcripts); c.135-5T>G (NM_001407686.1, NM_001408397.1, NM_001407632.1 and 167 more transcripts); c.81-1582T>G (NM_001408451.1); c.135-1582T>G (NM_001408475.1, NM_001407875.1, NM_001407659.1 and 21 more transcripts).
Identifiers: ClinVar variation 865184 (VCV000865184.3), dbSNP rs587781916, ClinGen allele CA916080916.

Conditions:
Breast-ovarian cancer, familial, susceptibility to, 1 (BROVCA1). Also called: BRCA1 Hereditary Breast and Ovarian Cancer; OVARIAN CANCER, SUSCEPTIBILITY TO. Identifiers: Orphanet 145, MedGen C2676676, MONDO:0011450, OMIM 604370. Disease mechanism: loss of function.

Submission:

Brotman Baty Institute, University of Washington
No classification provided (evidence only). Condition: Breast-ovarian cancer, familial 1. Review status: no classification provided. Collection method: in vitro. Allele origin: not applicable. Functional consequence: functionally_normal.
ClinVar note: "not provided" was previously submitted as the classification for the variant. However, the classification appeared to be based only on an observation of functional data so it was converted to no classification on 2025-07-30.